The following is an entry in ClinVar:

NM_173618.3(INO80E):c.309C>T (p.Gly103=)

Gene: INO80E (INO80 complex subunit E; plus strand). Cytogenetic location: 16p11.2.
Variant type: single nucleotide variant.
Coding change: c.309C>T on transcript NM_173618.3 (MANE Select); coding-DNA position 309, C replaced by T.
Protein change: p.Gly103=; no amino-acid change (glycine 103 retained).
Molecular consequence: synonymous variant. On other transcripts: non-coding transcript variant (3).
Genome position (GRCh38, 1-based): chr16:30,000,953, C>T. VCF-style: chr16-30000953-C-T. GRCh37 (hg19) VCF-style: chr16-30012274-C-T.
Other names: c.309C>T, p.Gly103= (NM_001304562.2, NM_001304563.2).
Identifiers: ClinVar variation 2646377 (VCV002646377.24), dbSNP rs777556807, ClinGen allele CA7999601.

ClinVar aggregate classification (germline): Likely benign (1 of 4 stars; one submission).

Allele frequency attached by ClinVar (database versions not stated): gnomAD 0.00001; ExAC 0.00002; TOPMed 0.00002; gnomAD exomes 0.00008.

Submission:

CeGaT Center for Human Genetics Tuebingen
Classification: Likely benign. Last evaluated: 2022-05-01. Review status: criteria provided, single submitter. Criteria: CeGaT Center For Human Genetics Tuebingen Variant Classification Criteria Version 2. Collection method: clinical testing. Allele origin: germline. Affected: yes. Observed: 1 variant allele.
Comment: INO80E: BP4, BP7